The following is an entry in ClinVar:

ClinVar aggregate classification (germline): Benign/Likely benign. Review status: criteria provided, multiple submitters, no conflicts (2 of 4 stars). 3 submissions from 3 submitters: Benign (1); Likely benign (1). 1 of the submissions does not count toward it. Last evaluated 2024-12-16.

Conditions:
PDE3A-related disorder. Also called: PDE3A-related condition.

Allele frequency attached by ClinVar (database versions not stated): gnomAD exomes 0.00026 and 0.00077; gnomAD 0.00029 and 0.00032; TOPMed 0.00035; 1000 Genomes Project 30x 0.00047; 1000 Genomes Project 0.00060; ExAC 0.00075.
gnomAD v4.1: 437 of 1,612,590 alleles (0.027%); highest among the groups gnomAD compares: East Asian, 0.85%; 2 homozygotes.

Submissions (3):

Labcorp Genetics (formerly Invitae), Labcorp
Classification: Benign. Last evaluated: 2024-12-16. Review status: criteria provided, single submitter. Criteria: Invitae Variant Classification Sherloc (09022015). Collection method: clinical testing. Allele origin: germline.

Blueprint Genetics
Classification: Likely benign. Last evaluated: 2024-08-08. Review status: criteria provided, single submitter. Criteria: ACMG Guidelines, 2015. Collection method: clinical testing. Allele origin: germline.

PreventionGenetics, part of Exact Sciences
Classification: Benign for PDE3A-related condition. Last evaluated: 2024-06-24. Review status: no assertion criteria provided. Collection method: clinical testing. Allele origin: germline. Not counted in ClinVar's aggregate classification.
Comment: This variant is classified as benign based on ACMG/AMP sequence variant interpretation guidelines (Richards et al. 2015 PMID: 25741868, with internal and published modifications).

NM_000921.5(PDE3A):c.1490A>G (p.Tyr497Cys)

Gene: PDE3A (phosphodiesterase 3A; plus strand). Cytogenetic location: 12p12.2.
Variant type: single nucleotide variant.
Coding change: c.1490A>G on transcript NM_000921.5 (MANE Select); coding-DNA position 1490, A replaced by G.
Protein change: p.Tyr497Cys; replaces tyrosine 497 with cysteine.
Molecular consequence: missense variant.
Genome position (GRCh38, 1-based): chr12:20,621,361, A>G. VCF-style: chr12-20621361-A-G. GRCh37 (hg19) VCF-style: chr12-20774295-A-G.
Other names: c.524A>G, p.Tyr175Cys (NM_001244683.2, NM_001378409.1); c.1490A>G, p.Tyr497Cys (NM_001378407.1); c.527A>G, p.Tyr176Cys (NM_001378408.1); short protein forms Y175C, Y497C, Y176C.
Identifiers: ClinVar variation 794068 (VCV000794068.12), dbSNP rs201499879, ClinGen allele CA6473753.